The following is an entry in ClinVar:

ClinVar aggregate classification (germline): Likely benign (0 of 4 stars; one submission).

Conditions:
ALOX5AP-related disorder. Also called: ALOX5AP-related condition.

Allele frequency attached by ClinVar (database versions not stated): gnomAD exomes 0.00046; ExAC 0.00152; 1000 Genomes Project 0.00300; 1000 Genomes Project 30x 0.00328; ESP Exome Variant Server 0.00377; gnomAD 0.00404; TOPMed 0.00440.
gnomAD v4.1: 1,329 of 1,613,206 alleles (0.082%); highest among the groups gnomAD compares: African/African-American, 1.4%; 15 homozygotes.

Submission:

PreventionGenetics, part of Exact Sciences
Classification: Likely benign for ALOX5AP-related condition. Last evaluated: 2023-12-04. Review status: no assertion criteria provided. Collection method: clinical testing. Allele origin: germline.
Comment: This variant is classified as likely benign based on ACMG/AMP sequence variant interpretation guidelines (Richards et al. 2015 PMID: 25741868, with internal and published modifications).

NM_001629.4(ALOX5AP):c.-40T>C

Gene: ALOX5AP (arachidonate 5-lipoxygenase activating protein; plus strand). Cytogenetic location: 13q12.3.
Variant type: single nucleotide variant.
Coding change: c.-40T>C on transcript NM_001629.4 (MANE Select); 40 bases upstream of the start codon, T replaced by C.
Molecular consequence: 5 prime UTR variant. On other transcripts: synonymous variant (1).
Genome position (GRCh38, 1-based): chr13:30,735,566, T>C. VCF-style: chr13-30735566-T-C. GRCh37 (hg19) VCF-style: chr13-31309703-T-C.
Other names: c.132T>C, p.Ala44= (NM_001204406.2).
Identifiers: ClinVar variation 3041867 (VCV003041867.2), dbSNP rs78236471, ClinGen allele CA6934731.